The following is an entry in ClinVar:

NM_001122630.2(CDKN1C):c.537G>C (p.Pro179=)

Gene: CDKN1C (cyclin dependent kinase inhibitor 1C; minus strand). Cytogenetic location: 11p15.4.
Variant type: single nucleotide variant.
Coding change: c.537G>C on transcript NM_001122630.2 (MANE Select); coding-DNA position 537, G replaced by C.
Protein change: p.Pro179=; no amino-acid change (proline 179 retained).
Molecular consequence: synonymous variant. On other transcripts: intron variant (1).
Genome position (GRCh38, 1-based): chr11:2,884,920, C>G on the plus strand (G>C on the coding strand, the complement: CDKN1C is on the minus strand). VCF-style: chr11-2884920-C-G. GRCh37 (hg19) VCF-style: chr11-2906150-C-G.
Other names: c.570G>C, p.Pro190= (LRG_533t1, NM_000076.2, NM_001362474.2); c.537G>C, p.Pro179= (NM_001122631.2); c.255+282G>C (NM_001362475.2).
Identifiers: ClinVar variation 412859 (VCV000412859.28), dbSNP rs550978405, ClinGen allele CA16613344.

ClinVar aggregate classification (germline): Likely benign. Review status: criteria provided, multiple submitters, no conflicts (2 of 4 stars). 2 submissions from 2 submitters: Likely benign (2). Last evaluated 2025-07-30.

Conditions:
Beckwith-Wiedemann syndrome (BWS). Also called: EMG SYNDROME; Exomphalos macroglossia gigantism syndrome. Identifiers: Orphanet 116, MedGen C0004903, MONDO:0007534, OMIM 130650.

Allele frequency attached by ClinVar (database versions not stated): gnomAD exomes below 0.00001.
gnomAD v4.1: 3 of 848,564 alleles (0.00035%); highest among the groups gnomAD compares: Middle Eastern, 0.1%; no homozygotes.

Submissions (2):

Labcorp Genetics (formerly Invitae), Labcorp
Classification: Likely benign for Beckwith-Wiedemann syndrome. Last evaluated: 2025-07-30. Review status: criteria provided, single submitter. Criteria: Invitae Variant Classification Sherloc (09022015). Collection method: clinical testing. Allele origin: germline.

CeGaT Center for Human Genetics Tuebingen
Classification: Likely benign. Last evaluated: 2024-06-01. Review status: criteria provided, single submitter. Criteria: CeGaT Center For Human Genetics Tuebingen Variant Classification Criteria Version 2. Collection method: clinical testing. Allele origin: germline. Affected: yes. Observed: 1 variant allele.
Comment: CDKN1C: BP4, BP7